The following is an entry in ClinVar:

NM_000352.6(ABCC8):c.47G>C (p.Arg16Pro)

Gene: ABCC8 (ATP binding cassette subfamily C member 8; minus strand). Cytogenetic location: 11p15.1.
Variant type: single nucleotide variant.
Coding change: c.47G>C on transcript NM_000352.6 (MANE Select); coding-DNA position 47, G replaced by C.
Protein change: p.Arg16Pro; replaces arginine 16 with proline.
Molecular consequence: missense variant. On other transcripts: non-coding transcript variant (1).
Genome position (GRCh38, 1-based): chr11:17,476,730, C>G on the plus strand (G>C on the coding strand, the complement: ABCC8 is on the minus strand). VCF-style: chr11-17476730-C-G. GRCh37 (hg19) VCF-style: chr11-17498277-C-G.
Other names: c.47G>C, p.Arg16Pro (NM_001287174.3, NM_001351295.2, NM_001351296.2 and 1 more transcripts); short protein forms R16P.
Identifiers: ClinVar variation 3895942 (VCV003895942.1).

ClinVar aggregate classification (germline): Uncertain significance (1 of 4 stars; one submission).

gnomAD v4.1: 5 of 1,604,856 alleles (0.00031%); highest among the groups gnomAD compares: Non-Finnish European, 0.00043%; no homozygotes.

Submission:

Women's Health and Genetics/Laboratory Corporation of America, LabCorp
Classification: Uncertain significance. Last evaluated: 2025-03-25. Review status: criteria provided, single submitter. Criteria: LabCorp Variant Classification Summary - May 2015. Collection method: clinical testing. Allele origin: germline.
Comment: Variant summary: ABCC8 c.47G>C (p.Arg16Pro) results in a non-conservative amino acid change in the encoded protein sequence. Four of five in-silico tools predict a benign effect of the variant on protein function. The variant was absent in 233518 control chromosomes (gnomAD). The available data on variant occurrences in the general population are insufficient to allow any conclusion about variant significance. c.47G>C has been reported in the literature in individuals affected with Congenital Hyperinsulinism (Xu_2018). This report does not provide unequivocal conclusions about association of the variant with Congenital Hyperinsulinism. To our knowledge, no experimental evidence demonstrating an impact on protein function has been reported. The following publication has been ascertained in the context of this evaluation (PMID: 30352420). No submitters have cited clinical-significance assessments for this variant to ClinVar. Based on the evidence outlined above, the variant was classified as uncertain significance.

Literature cited by the submitters: PubMed 30352420.